The following is an entry in ClinVar:

ClinVar aggregate classification (germline): Pathogenic (1 of 4 stars; one submission).

Conditions:
Familial cancer of breast. Also called: hereditary breast carcinoma; BREAST CANCER, FAMILIAL; Hereditary breast cancer. Identifiers: Orphanet 227535, MedGen C0346153, MONDO:0016419, OMIM 114480. Disease mechanism: loss of function.

Submission:

Myriad Genetics, Inc.
Classification: Pathogenic for Familial cancer of breast. Last evaluated: 2024-01-30. Review status: criteria provided, single submitter. Criteria: Myriad Autosomal Dominant, Autosomal Recessive and X-Linked Classification Criteria (2023). Collection method: clinical testing. Allele origin: unknown.
Comment: This variant is considered pathogenic. This variant creates a frameshift predicted to result in premature protein truncation.

NM_000051.4(ATM):c.7030_7043del (p.Trp2344fs)

Genes: ATM (ATM serine/threonine kinase; plus strand), C11orf65 (chromosome 11 open reading frame 65; minus strand). Cytogenetic location: 11q22.3.
Variant type: Deletion.
Coding change: c.7030_7043del on transcript NM_000051.4 (MANE Select); coding-DNA positions 7030 to 7043, 14 bases deleted (TGGTTAGCAGAAAC).
Protein change: p.Trp2344fs; shifts the reading frame from tryptophan 2344.
Molecular consequence: frameshift variant. On other transcripts: intron variant (2).
Genome position (GRCh38, 1-based): chr11:108,327,699-108,327,712, TGGTTAGCAGAAAC deleted; deleting any 14 consecutive bases within chr11:108,327,696-108,327,712 gives the same sequence; the c. name uses the placement nearest the transcript's 3' end. VCF-style (leftmost placement, unchanged base first): chr11-108327695-CAACTGGTTAGCAGA-C. GRCh37 (hg19) VCF-style: chr11-108198422-CAACTGGTTAGCAGA-C.
Other names: c.7030_7043del, p.Trp2344fs (NM_001351834.2); c.641-18638_641-18625del (NM_001330368.2); c.*38+7511_*38+7524del (NM_001351110.2); short protein forms W2344fs.
Identifiers: ClinVar variation 3148605 (VCV003148605.1), dbSNP rs2547232761, ClinGen allele CA2825001942.
Genomic context (GRCh38, chr11:108,327,695, plus strand): 5'-TCTTATACAGAACAATCCCAGCCTAAAACTTACATACACAGAATGTCTGAGGGTTTGTGG[CAACTGGTTAGCAGA>C]AACGTGCTTAGAAAATCCTGCGGTCATCATGCAGACCTATCTAGAAAAGGTAAGATTTTT-3'